The following is an entry in ClinVar:

ClinVar aggregate classification (germline): Uncertain significance (1 of 4 stars; one submission).

Submission:

GeneDx
Classification: Uncertain significance. Last evaluated: 2025-04-21. Review status: criteria provided, single submitter. Criteria: GeneDx Variant Classification Process June 2021. Collection method: clinical testing. Allele origin: germline. Affected: yes.
Comment: Not observed at significant frequency in large population cohorts (gnomAD); In silico analysis supports that this missense variant has a deleterious effect on protein structure/function; Has not been previously published as pathogenic or benign to our knowledge

NM_000540.3(RYR1):c.10055A>G (p.Glu3352Gly)

Gene: RYR1 (ryanodine receptor 1; plus strand). Cytogenetic location: 19q13.2.
Variant type: single nucleotide variant.
Coding change: c.10055A>G on transcript NM_000540.3 (MANE Select); coding-DNA position 10055, A replaced by G.
Protein change: p.Glu3352Gly; replaces glutamic acid 3352 with glycine.
Molecular consequence: missense variant.
Genome position (GRCh38, 1-based): chr19:38,519,250, A>G. VCF-style: chr19-38519250-A-G. GRCh37 (hg19) VCF-style: chr19-39009890-A-G.
Other names: c.10055A>G, p.Glu3352Gly (NM_001042723.2); short protein forms E3352G.
Identifiers: ClinVar variation 4527228 (VCV004527228.1).